The following is an entry in ClinVar:

NM_019616.4(F7):c.586G>A (p.Val196Met)

Gene: F7 (coagulation factor VII; plus strand). Cytogenetic location: 13q34.
Variant type: single nucleotide variant.
Coding change: c.586G>A on transcript NM_019616.4 (MANE Select); coding-DNA position 586, G replaced by A.
Protein change: p.Val196Met; replaces valine 196 with methionine.
Molecular consequence: missense variant. On other transcripts: non-coding transcript variant (1).
Genome position (GRCh38, 1-based): chr13:113,116,846, G>A. VCF-style: chr13-113116846-G-A. GRCh37 (hg19) VCF-style: chr13-113771160-G-A.
Other names: p.Val218Met; c.652G>A, p.Val218Met (NM_000131.5); c.400G>A, p.Val134Met (NM_001267554.2); short protein forms V134M, V196M, V218M.
Identifiers: ClinVar variation 881416 (VCV000881416.8), dbSNP rs139309572, ClinGen allele CA7060016.

ClinVar aggregate classification (germline): Conflicting classifications of pathogenicity. Review status: criteria provided, conflicting classifications (1 of 4 stars). 5 submissions from 5 submitters: Uncertain significance (4); Likely benign (1). Last evaluated 2025-06-09.

Conditions:
Factor VII deficiency. Also called: Factor 7 deficiency; F7 DEFICIENCY; HYPOPROCONVERTINEMIA. Identifiers: MedGen C0015503, MeSH D005168, MONDO:0002244.
F7-related disorder. Also called: F7-related condition.

Allele frequency attached by ClinVar (database versions not stated): gnomAD exomes 0.00016; ExAC 0.00018; 1000 Genomes Project 0.00040; 1000 Genomes Project 30x 0.00047; gnomAD 0.00060 and 0.00063; ESP Exome Variant Server 0.00062; TOPMed 0.00074.
gnomAD v4.1: 178 of 1,613,740 alleles (0.011%); highest among the groups gnomAD compares: African/African-American, 0.2%; no homozygotes.

Submissions (5):

GeneDx
Classification: Uncertain significance. Last evaluated: 2025-06-09. Review status: criteria provided, single submitter. Criteria: GeneDx Variant Classification Process June 2021. Collection method: clinical testing. Allele origin: germline. Affected: yes.
Comment: In silico analysis suggests that this missense variant does not alter protein structure/function; Observed as heterozygous in a patient with heavy menstrual bleeding; a second variant in F7 was not reported (PMID: 38385952); This variant is associated with the following publications: (PMID: 38385952)

PreventionGenetics, part of Exact Sciences
Classification: Likely benign for F7-related condition. Last evaluated: 2024-12-06. Review status: criteria provided, single submitter. Criteria: ACMG Guidelines, 2015. Collection method: clinical testing. Allele origin: germline.
Comment: This variant is classified as likely benign based on ACMG/AMP sequence variant interpretation guidelines (Richards et al. 2015 PMID: 25741868, with internal and published modifications).

Mayo Clinic Laboratories, Mayo Clinic
Classification: Uncertain significance. Last evaluated: 2024-05-02. Review status: criteria provided, single submitter. Criteria: ACMG Guidelines, 2015. Collection method: clinical testing. Allele origin: germline. Observed: 1 variant allele.
Comment: PM2_moderate

Illumina Laboratory Services, Illumina
Classification: Uncertain significance for Congenital factor VII deficiency. Last evaluated: 2017-04-27. Review status: criteria provided, single submitter. Criteria: ICSL Variant Classification Criteria 13 December 2019. Collection method: clinical testing. Allele origin: germline.

Breakthrough Genomics
Classification: Uncertain significance. Review status: criteria provided, single submitter. Criteria: ACMG Guidelines, 2015. Collection method: not provided. Allele origin: germline. Inheritance: Autosomal recessive inheritance. Affected: yes.

Literature cited by the submitters: PubMed 38385952 (cited by Mayo Clinic Laboratories, Mayo Clinic).